The following is an entry in ClinVar:

ClinVar aggregate classification (germline): Conflicting classifications of pathogenicity. Review status: criteria provided, conflicting classifications (1 of 4 stars). 5 submissions from 5 submitters: Uncertain significance (1); Likely benign (4). Last evaluated 2024-09-13.

Conditions:
Hereditary nonpolyposis colorectal neoplasms. Identifiers: MedGen C0009405, MeSH D003123.
Hereditary cancer-predisposing syndrome. Also called: Hereditary neoplastic syndrome; Neoplastic Syndromes, Hereditary; Tumor predisposition; Hereditary Cancer Syndrome. Identifiers: Orphanet 140162, MedGen C0027672, MeSH D009386, MONDO:0015356.
Lynch syndrome. Identifiers: Orphanet 144, MedGen C4552100, MONDO:0005835. Disease mechanism: loss of function.

Allele frequency attached by ClinVar (database versions not stated): gnomAD exomes below 0.00001.

Submissions (5):

GeneDx
Classification: Uncertain significance. Last evaluated: 2024-09-13. Review status: criteria provided, single submitter. Criteria: GeneDx Variant Classification Process June 2021. Collection method: clinical testing. Allele origin: germline. Affected: yes.
Comment: Not observed at significant frequency in large population cohorts (gnomAD); In silico analysis indicates that this variant does not alter splicing; Has not been previously published as pathogenic or benign to our knowledge

All of Us Research Program, National Institutes of Health
Classification: Likely benign for Lynch syndrome. Last evaluated: 2023-08-15. Review status: criteria provided, single submitter. Criteria: ACMG Guidelines, 2015. Collection method: clinical testing. Allele origin: germline. Inheritance: Autosomal dominant inheritance. Observed: 1 variant allele, 1 heterozygote.
Comment: This study involves interpretation of variants in research participants for the purpose of population health screening. Participant phenotype was not available at the time of variant classification. Additional details can be found in publication PMID: 35346344, PMCID: PMC8962531

Labcorp Genetics (formerly Invitae), Labcorp
Classification: Likely benign for Hereditary nonpolyposis colorectal neoplasms. Last evaluated: 2023-03-18. Review status: criteria provided, single submitter. Criteria: Invitae Variant Classification Sherloc (09022015). Collection method: clinical testing. Allele origin: germline.

Ambry Genetics
Classification: Likely benign for Hereditary cancer-predisposing syndrome. Last evaluated: 2020-04-30. Review status: criteria provided, single submitter. Criteria: Ambry Variant Classification Scheme 2023. Collection method: clinical testing. Allele origin: germline.

Color Diagnostics, LLC DBA Color Health
Classification: Likely benign for Hereditary cancer-predisposing syndrome. Last evaluated: 2019-08-14. Review status: criteria provided, single submitter. Criteria: ACMG Guidelines, 2015. Collection method: clinical testing. Allele origin: germline.

NM_000179.3(MSH6):c.690A>G (p.Glu230=)

Gene: MSH6 (mutS homolog 6; plus strand). Cytogenetic location: 2p16.3.
Variant type: single nucleotide variant.
Coding change: c.690A>G on transcript NM_000179.3 (MANE Select); coding-DNA position 690, A replaced by G.
Protein change: p.Glu230=; no amino-acid change (glutamic acid 230 retained).
Molecular consequence: synonymous variant. On other transcripts: 5 prime UTR variant (2).
Genome position (GRCh38, 1-based): chr2:47,798,673, A>G. VCF-style: chr2-47798673-A-G. GRCh37 (hg19) VCF-style: chr2-48025812-A-G.
Other names: c.300A>G, p.Glu100= (NM_001281492.2); c.-217A>G (NM_001281493.2, NM_001281494.2).
Identifiers: ClinVar variation 422745 (VCV000422745.11), dbSNP rs1064795970, ClinGen allele CA16617634.